The following is an entry in ClinVar:

NM_001372.4(DNAH9):c.4041C>A (p.Asp1347Glu)

Gene: DNAH9 (dynein axonemal heavy chain 9; plus strand). Cytogenetic location: 17p12.
Variant type: single nucleotide variant.
Coding change: c.4041C>A on transcript NM_001372.4 (MANE Select); coding-DNA position 4041, C replaced by A.
Protein change: p.Asp1347Glu; replaces aspartic acid 1347 with glutamic acid.
Molecular consequence: missense variant.
Genome position (GRCh38, 1-based): chr17:11,689,863, C>A. VCF-style: chr17-11689863-C-A. GRCh37 (hg19) VCF-style: chr17-11593180-C-A.
Other names: c.4041C>A (NM_001372.3); short protein forms D1347E.
Identifiers: ClinVar variation 2201667 (VCV002201667.4), dbSNP rs374525264, ClinGen allele CA8395590.

ClinVar aggregate classification (germline): Uncertain significance. Review status: criteria provided, multiple submitters, no conflicts (2 of 4 stars). 3 submissions from 3 submitters: Uncertain significance (3). Last evaluated 2024-10-29.

Conditions:
Inborn genetic diseases. Identifiers: MedGen C0950123, MeSH D030342.

Allele frequency attached by ClinVar (database versions not stated): gnomAD 0.00005; ExAC 0.00007; TOPMed 0.00007; ESP Exome Variant Server 0.00008; gnomAD exomes 0.00017.
gnomAD v4.1: 252 of 1,610,136 alleles (0.016%); highest among the groups gnomAD compares: Non-Finnish European, 0.02%; no homozygotes.

Submissions (3):

Blueprint Genetics
Classification: Uncertain significance. Last evaluated: 2024-10-29. Review status: criteria provided, single submitter. Criteria: ACMG Guidelines, 2015. Collection method: clinical testing. Allele origin: germline.

Labcorp Genetics (formerly Invitae), Labcorp
Classification: Uncertain significance. Last evaluated: 2024-05-23. Review status: criteria provided, single submitter. Criteria: Invitae Variant Classification Sherloc (09022015). Collection method: clinical testing. Allele origin: germline.
Comment: This sequence change replaces aspartic acid, which is acidic and polar, with glutamic acid, which is acidic and polar, at codon 1347 of the DNAH9 protein (p.Asp1347Glu). This variant is present in population databases (rs374525264, gnomAD 0.01%). This variant has not been reported in the literature in individuals affected with DNAH9-related conditions. ClinVar contains an entry for this variant (Variation ID: 2201667). Advanced modeling of protein sequence and biophysical properties (such as structural, functional, and spatial information, amino acid conservation, physicochemical variation, residue mobility, and thermodynamic stability) performed at Invitae indicates that this missense variant is not expected to disrupt DNAH9 protein function with a negative predictive value of 80%. In summary, the available evidence is currently insufficient to determine the role of this variant in disease. Therefore, it has been classified as a Variant of Uncertain Significance.

Ambry Genetics
Classification: Uncertain significance for Inborn genetic diseases. Last evaluated: 2021-09-27. Review status: criteria provided, single submitter. Criteria: Ambry Variant Classification Scheme 2023. Collection method: clinical testing. Allele origin: germline.